The following is an entry in ClinVar:

ClinVar aggregate classification (germline): Likely pathogenic. Review status: criteria provided, multiple submitters, no conflicts (2 of 4 stars). 2 submissions from 2 submitters: Likely pathogenic (2). Last evaluated 2024-10-29.

Conditions:
Osteogenesis imperfecta type I (OI1). Also called: Classic Non-deforming Osteogenesis Imperfecta with Blue Sclerae; Osteogenesis imperfecta type 1; Lobstein disease; Lobstein's Disease; OI, TYPE I; OSTEOGENESIS IMPERFECTA TARDA. Identifiers: Orphanet 216796, Orphanet 666, MedGen C0023931, MONDO:0008146, OMIM 166200. Disease mechanism: loss of function.
Ehlers-Danlos syndrome, classic type, 1 (EDSCL1). Also called: EHLERS-DANLOS SYNDROME, GRAVIS TYPE; EHLERS-DANLOS SYNDROME, SEVERE CLASSIC TYPE; EDS I; Ehlers-Danlos syndrome, type 1; Ehlers-Danlos Syndrome, Classic Type, COL5A1-Related. Identifiers: MedGen C0268335, MONDO:0019567, OMIM 130000.
COL1A2-related disorder. Also called: COL1A2-related condition; COL1A2-Related Disorders.

Submissions (2):

Blueprint Genetics
Classification: Likely pathogenic for COL1A2-related disorders. Last evaluated: 2024-10-29. Review status: criteria provided, single submitter. Criteria: ACMG Guidelines, 2015. Collection method: clinical testing. Allele origin: germline. Affected: yes. Observed: 2 variant alleles.

Labcorp Genetics (formerly Invitae), Labcorp
Classification: Likely pathogenic for Osteogenesis imperfecta type I; Ehlers-Danlos syndrome, classic type, 1. Last evaluated: 2023-10-05. Review status: criteria provided, single submitter. Criteria: Invitae Variant Classification Sherloc (09022015). Collection method: clinical testing. Allele origin: germline.
Comment: This sequence change replaces glycine, which is neutral and non-polar, with valine, which is neutral and non-polar, at codon 163 of the COL1A2 protein (p.Gly163Val). This variant is not present in population databases (gnomAD no frequency). This variant has not been reported in the literature in individuals affected with COL1A2-related conditions. Experimental studies and prediction algorithms are not available or were not evaluated, and the functional significance of this variant is currently unknown. This variant disrupts the triple helix domain of COL1A2. Glycine residues within the Gly-Xaa-Yaa repeats of the triple helix domain are required for the structure and stability of fibrillar collagens (PMID: 7695699, 8218237, 19344236). In COL1A2, variants affecting these glycine residues are significantly enriched in individuals with disease (PMID: 9016532, 17078022) compared to the general population (ExAC). In summary, the currently available evidence indicates that the variant is pathogenic, but additional data are needed to prove that conclusively. Therefore, this variant has been classified as Likely Pathogenic.

Literature cited by the submitters: PubMed 7695699 (cited by Labcorp Genetics (formerly Invitae), Labcorp); PubMed 8218237 (cited by Labcorp Genetics (formerly Invitae), Labcorp); PubMed 19344236 (cited by Labcorp Genetics (formerly Invitae), Labcorp); PubMed 9016532 (cited by Labcorp Genetics (formerly Invitae), Labcorp); PubMed 17078022 (cited by Labcorp Genetics (formerly Invitae), Labcorp).

NM_000089.4(COL1A2):c.488G>T (p.Gly163Val)

Gene: COL1A2 (collagen type I alpha 2 chain; plus strand). Cytogenetic location: 7q21.3.
Variant type: single nucleotide variant.
Coding change: c.488G>T on transcript NM_000089.4 (MANE Select); coding-DNA position 488, G replaced by T.
Protein change: p.Gly163Val; replaces glycine 163 with valine.
Molecular consequence: missense variant.
Genome position (GRCh38, 1-based): chr7:94,405,674, G>T. VCF-style: chr7-94405674-G-T. GRCh37 (hg19) VCF-style: chr7-94034986-G-T.
Other names: short protein forms G163V.
Identifiers: ClinVar variation 2930905 (VCV002930905.4), dbSNP rs2484701452, ClinGen allele CA368219886.
Genomic context (GRCh38, chr7:94,405,674, plus strand): 5'-TCACTGTCTTTTTATTTATGGTAAAACATTATTCACCATCTTCTGTATTTCTTTCTAAGG[G>T]TGCTCGTGGTTTCCCTGGAACTCCTGGACTTCCTGGCTTCAAAGGCATTAGGGTGAGCAC-3'
Protein context (NP_000080.2, residues 153-173): PGERGVVGPQ[Gly163Val]ARGFPGTPGL